The following is an entry in ClinVar:

NM_014444.5(TUBGCP4):c.871G>T (p.Val291Leu)

Gene: TUBGCP4 (tubulin gamma complex component 4; plus strand). Cytogenetic location: 15q15.3.
Variant type: single nucleotide variant.
Coding change: c.871G>T on transcript NM_014444.5 (MANE Select); coding-DNA position 871, G replaced by T.
Protein change: p.Val291Leu; replaces valine 291 with leucine.
Molecular consequence: missense variant.
Genome position (GRCh38, 1-based): chr15:43,385,938, G>T. VCF-style: chr15-43385938-G-T. GRCh37 (hg19) VCF-style: chr15-43678136-G-T.
Other names: c.871G>T, p.Val291Leu (NM_001286414.3); short protein forms V291L.
Identifiers: ClinVar variation 843924 (VCV000843924.11), dbSNP rs1268930307, ClinGen allele CA392122734.

ClinVar aggregate classification (germline): Uncertain significance (1 of 4 stars; one submission).

Allele frequency attached by ClinVar (database versions not stated): TOPMed 0.00001.

Submission:

Labcorp Genetics (formerly Invitae), Labcorp
Classification: Uncertain significance. Last evaluated: 2025-10-21. Review status: criteria provided, single submitter. Criteria: Invitae Variant Classification Sherloc (09022015). Collection method: clinical testing. Allele origin: germline.
Comment: This sequence change replaces valine, which is neutral and non-polar, with leucine, which is neutral and non-polar, at codon 291 of the TUBGCP4 protein (p.Val291Leu). This variant is not present in population databases (gnomAD no frequency). This variant has not been reported in the literature in individuals affected with TUBGCP4-related conditions. ClinVar contains an entry for this variant (Variation ID: 843924). Invitae Evidence Modeling of protein sequence and biophysical properties (such as structural, functional, and spatial information, amino acid conservation, physicochemical variation, residue mobility, and thermodynamic stability) indicates that this missense variant is not expected to disrupt TUBGCP4 protein function with a negative predictive value of 80%. In summary, the available evidence is currently insufficient to determine the role of this variant in disease. Therefore, it has been classified as a Variant of Uncertain Significance.